The following is an entry in ClinVar:

NM_006031.6(PCNT):c.7628G>A (p.Arg2543His)

Gene: PCNT (pericentrin; plus strand). Cytogenetic location: 21q22.3.
Variant type: single nucleotide variant.
Coding change: c.7628G>A on transcript NM_006031.6 (MANE Select); coding-DNA position 7628, G replaced by A.
Protein change: p.Arg2543His; replaces arginine 2543 with histidine.
Molecular consequence: missense variant.
Genome position (GRCh38, 1-based): chr21:46,428,528, G>A. VCF-style: chr21-46428528-G-A. GRCh37 (hg19) VCF-style: chr21-47848442-G-A.
Other names: c.7274G>A, p.Arg2425His (NM_001315529.2); short protein forms R2425H, R2543H.
Identifiers: ClinVar variation 3350561 (VCV003350561.1).

ClinVar aggregate classification (germline): Uncertain significance (0 of 4 stars; one submission).

Conditions:
PCNT-related disorder. Also called: PCNT-related condition.

Submission:

PreventionGenetics, part of Exact Sciences
Classification: Uncertain significance for PCNT-related condition. Last evaluated: 2024-05-28. Review status: no assertion criteria provided. Collection method: clinical testing. Allele origin: germline.
Comment: The PCNT c.7628G>A variant is predicted to result in the amino acid substitution p.Arg2543His. To our knowledge, this variant has not been reported in the literature. This variant is reported in 0.030% of alleles in individuals of South Asian descent in gnomAD. At this time, the clinical significance of this variant is uncertain due to the absence of conclusive functional and genetic evidence.